The following is an entry in ClinVar:

ClinVar aggregate classification (germline): Uncertain significance (1 of 4 stars; one submission).

Conditions:
CREBBP-related disorder. Also called: CREBBP-related condition; CREBBP-related disorders.

Submission:

PreventionGenetics, part of Exact Sciences
Classification: Uncertain significance for CREBBP-related condition. Last evaluated: 2025-05-06. Review status: criteria provided, single submitter. Criteria: ACMG Guidelines, 2015. Collection method: clinical testing. Allele origin: germline.
Comment: The CREBBP c.5746A>G variant is predicted to result in the amino acid substitution p.Met1916Val. To our knowledge, this variant has not been reported in the literature or in a large population database (gnomAD), indicating this variant is rare. At this time, the clinical significance of this variant is uncertain due to the absence of conclusive functional and genetic evidence.

NM_004380.3(CREBBP):c.5746A>G (p.Met1916Val)

Gene: CREBBP (CREB binding lysine acetyltransferase; minus strand). Cytogenetic location: 16p13.3.
Variant type: single nucleotide variant.
Coding change: c.5746A>G on transcript NM_004380.3 (MANE Select); coding-DNA position 5746, A replaced by G.
Protein change: p.Met1916Val; replaces methionine 1916 with valine.
Molecular consequence: missense variant.
Genome position (GRCh38, 1-based): chr16:3,729,301, T>C on the plus strand (A>G on the coding strand, the complement: CREBBP is on the minus strand). VCF-style: chr16-3729301-T-C. GRCh37 (hg19) VCF-style: chr16-3779302-T-C.
Other names: c.5632A>G, p.Met1878Val (NM_001079846.1); short protein forms M1916V, M1878V.
Identifiers: ClinVar variation 4997779 (VCV004997779.1).